The following is an entry in ClinVar:

ClinVar aggregate classification (germline): Likely pathogenic (1 of 4 stars; one submission).

Conditions:
Pyruvate carboxylase deficiency. Also called: ATAXIA WITH LACTIC ACIDOSIS II; Pyruvate Carboxylase Deficiency Disease; PC DEFICIENCY; LEIGH NECROTIZING ENCEPHALOPATHY DUE TO PYRUVATE CARBOXYLASE DEFICIENCY; LEIGH SYNDROME DUE TO PYRUVATE CARBOXYLASE DEFICIENCY. Identifiers: Orphanet 3008, MedGen C0034341, MONDO:0009949, OMIM 266150.

Submission:

Labcorp Genetics (formerly Invitae), Labcorp
Classification: Likely pathogenic for Pyruvate carboxylase deficiency. Last evaluated: 2023-09-21. Review status: criteria provided, single submitter. Criteria: Invitae Variant Classification Sherloc (09022015). Collection method: clinical testing. Allele origin: germline.
Comment: In summary, the currently available evidence indicates that the variant is pathogenic, but additional data are needed to prove that conclusively. Therefore, this variant has been classified as Likely Pathogenic. Algorithms developed to predict the effect of sequence changes on RNA splicing suggest that this variant may disrupt the consensus splice site. ClinVar contains an entry for this variant (Variation ID: 632169). This variant has not been reported in the literature in individuals affected with PC-related conditions. This variant is not present in population databases (gnomAD no frequency). This sequence change affects a donor splice site in intron 14 of the PC gene. It is expected to disrupt RNA splicing. Variants that disrupt the donor or acceptor splice site typically lead to a loss of protein function (PMID: 16199547), and loss-of-function variants in PC are known to be pathogenic (PMID: 12112657, 19306334).

Literature cited by the submitters: PubMed 16199547; PubMed 12112657; PubMed 19306334.

NM_001040716.2(PC):c.1825+1G>A

Gene: PC (pyruvate carboxylase; minus strand). Cytogenetic location: 11q13.2.
Variant type: single nucleotide variant.
Coding change: c.1825+1G>A on transcript NM_001040716.2 (MANE Select); the canonical splice donor site of the intron after coding-DNA position 1825, G replaced by A.
Molecular consequence: splice donor variant.
Genome position (GRCh38, 1-based): chr11:66,852,438, C>T on the plus strand (G>A on the coding strand, the complement: PC is on the minus strand). VCF-style: chr11-66852438-C-T. GRCh37 (hg19) VCF-style: chr11-66619909-C-T.
Other names: c.1825+1G>A (NM_000920.4, NM_022172.3).
Identifiers: ClinVar variation 632169 (VCV000632169.7), dbSNP rs1565214970, ClinGen allele CA381494812.
Genomic context (GRCh38, chr11:66,852,438, plus strand): 5'-TGGGACTGGCCACAGAGCGGGCGCCCATTCCTACCAGGCGCTGCGCAGCATGCCAGCCTA[C>T]CTCCCCAGTTCTCCATGCTGAAGAGCTTGCTGAAGTTGTGGGCAACATAGGGGGCGATCT-3'